The following is an entry in ClinVar:

NM_000321.3(RB1):c.506dup (p.Cys169fs)

Gene: RB1 (RB transcriptional corepressor 1; plus strand). Cytogenetic location: 13q14.2.
Variant type: Duplication.
Coding change: c.506dup on transcript NM_000321.3 (MANE Select); coding-DNA position 506, one base duplicated (G; older notation c.506dupG).
Protein change: p.Cys169fs; shifts the reading frame from cysteine 169.
Molecular consequence: frameshift variant.
Genome position (GRCh38, 1-based): chr13:48,347,830, G duplicated. VCF-style (leftmost placement, unchanged base first): chr13-48347829-T-TG. GRCh37 (hg19) VCF-style: chr13-48921965-T-TG.
Other names: short protein forms C169fs.
Identifiers: ClinVar variation 1357807 (VCV001357807.6), dbSNP rs2138091538, ClinGen allele CA2573149551.

ClinVar aggregate classification (germline): Pathogenic (1 of 4 stars; one submission).

Conditions:
Retinoblastoma (RB1). Also called: RETINOBLASTOMA, SOMATIC. Identifiers: Orphanet 790, MedGen C0035335, MeSH D012175, MONDO:0008380, OMIM 180200, HP:0009919. Disease mechanism: loss of function. Inheritance: Both sporadic and heritable forms are tested..

Submission:

Labcorp Genetics (formerly Invitae), Labcorp
Classification: Pathogenic for Retinoblastoma. Last evaluated: 2021-02-25. Review status: criteria provided, single submitter. Criteria: Invitae Variant Classification Sherloc (09022015). Collection method: clinical testing. Allele origin: germline.
Comment: For these reasons, this variant has been classified as Pathogenic. Algorithms developed to predict the effect of sequence changes on RNA splicing suggest that this variant may create or strengthen a splice site, but this prediction has not been confirmed by published transcriptional studies. This variant has not been reported in the literature in individuals with RB1-related conditions. This variant is not present in population databases (ExAC no frequency). This sequence change creates a premature translational stop signal (p.Cys169Trpfs*2) in the RB1 gene. It is expected to result in an absent or disrupted protein product. Loss-of-function variants in RB1 are known to be pathogenic (PMID: 17096365).

Literature cited by the submitters: PubMed 17096365.